The following is an entry in ClinVar:

NM_000243.3(MEFV):c.*474C>G

Gene: MEFV (MEFV innate immunity regulator, pyrin; minus strand). Cytogenetic location: 16p13.3.
Variant type: single nucleotide variant.
Coding change: c.*474C>G on transcript NM_000243.3 (MANE Select); 474 bases downstream of the stop codon, C replaced by G.
Molecular consequence: 3 prime UTR variant.
Genome position (GRCh38, 1-based): chr16:3,242,667, G>C on the plus strand (C>G on the coding strand, the complement: MEFV is on the minus strand). VCF-style: chr16-3242667-G-C. GRCh37 (hg19) VCF-style: chr16-3292667-G-C.
Other names: c.*1024C>G (NM_001198536.2).
Identifiers: ClinVar variation 319099 (VCV000319099.6), dbSNP rs11466051, ClinGen allele CA10647430.

ClinVar aggregate classification (germline): Benign. Review status: criteria provided, multiple submitters, no conflicts (2 of 4 stars). 2 submissions from 2 submitters: Benign (2). Last evaluated 2018-01-13.

Conditions:
Familial Mediterranean fever (FMF). Also called: Periodic peritonitis; Benign paroxysmal peritonitis; POLYSEROSITIS, FAMILIAL PAROXYSMAL; POLYSEROSITIS, RECURRENT. Identifiers: Orphanet 342, MedGen C0031069, MONDO:0018088, OMIM 249100. Disease mechanism: gain of function.

Allele frequency attached by ClinVar (database versions not stated): 1000 Genomes Project 0.65116; 1000 Genomes Project 30x 0.65412; TOPMed 0.60405; gnomAD 0.59239.

Submissions (2):

Illumina Laboratory Services, Illumina
Classification: Benign for Familial Mediterranean fever. Last evaluated: 2018-01-13. Review status: criteria provided, single submitter. Criteria: ICSL Variant Classification Criteria 13 December 2019. Collection method: clinical testing. Allele origin: germline.
Comment: This variant was observed in the ICSL laboratory as part of a predisposition screen in an ostensibly healthy population. It had not been previously curated by ICSL or reported in the Human Gene Mutation Database (HGMD: prior to June 1st, 2018), and was therefore a candidate for classification through an automated scoring system. Utilizing variant allele frequency, disease prevalence and penetrance estimates, and inheritance mode, an automated score was calculated to assess if this variant is too frequent to cause the disease. Based on the score and internal cut-off values, a variant classified as benign is not then subjected to further curation. The score for this variant resulted in a classification of benign for this disease.

Breakthrough Genomics
Classification: Benign. Review status: criteria provided, single submitter. Criteria: ACMG Guidelines, 2015. Collection method: not provided. Allele origin: germline. Inheritance: Autosomal recessive inheritance. Affected: yes.